The following is an entry in ClinVar:

ClinVar aggregate classification (germline): Uncertain significance (1 of 4 stars; one submission).

Submission:

GeneDx
Classification: Uncertain significance. Last evaluated: 2023-03-30. Review status: criteria provided, single submitter. Criteria: GeneDx Variant Classification Process June 2021. Collection method: clinical testing. Allele origin: germline. Affected: yes.
Comment: Not observed at significant frequency in large population cohorts (gnomAD); In silico analysis supports that this missense variant has a deleterious effect on protein structure/function; Has not been previously published as pathogenic or benign to our knowledge.

NM_022893.4(BCL11A):c.2441C>T (p.Thr814Ile)

Gene: BCL11A (BCL11 transcription factor A; minus strand). Cytogenetic location: 2p16.1.
Variant type: single nucleotide variant.
Coding change: c.2441C>T on transcript NM_022893.4 (MANE Select); coding-DNA position 2441, C replaced by T.
Protein change: p.Thr814Ile; replaces threonine 814 with isoleucine.
Molecular consequence: missense variant. On other transcripts: intron variant (16).
Genome position (GRCh38, 1-based): chr2:60,460,471, G>A on the plus strand (C>T on the coding strand, the complement: BCL11A is on the minus strand). VCF-style: chr2-60460471-G-A. GRCh37 (hg19) VCF-style: chr2-60687606-G-A.
Other names: c.2339C>T, p.Thr780Ile (NM_001365609.1, NM_001405711.1, NM_001405712.1); c.2441C>T, p.Thr814Ile (NM_001405708.1, NM_001405709.1); c.2285C>T, p.Thr762Ile (NM_001405713.1, NM_001405714.1, NM_001405715.1); c.2183C>T, p.Thr728Ile (NM_001405717.1, NM_001405718.1); c.2108C>T, p.Thr703Ile (NM_001405720.1, NM_001405721.1); c.1985C>T, p.Thr662Ile (NM_001405725.1, NM_001405726.1, NM_001405727.1 and 1 more transcripts); c.1748C>T, p.Thr583Ile (NM_001405729.1); c.630+1811C>T (NM_138559.2, NM_001405732.1); and 12 more; short protein forms T583I, T662I, T703I, T728I, T762I, T780I, T814I.
Identifiers: ClinVar variation 2582060 (VCV002582060.1), dbSNP rs2466197744, ClinGen allele CA347035772.